The following is an entry in ClinVar:

ClinVar aggregate classification (germline): Uncertain significance (1 of 4 stars; one submission).

Submission:

Women's Health and Genetics/Laboratory Corporation of America, LabCorp
Classification: Uncertain significance. Last evaluated: 2025-02-17. Review status: criteria provided, single submitter. Criteria: LabCorp Variant Classification Summary - May 2015. Collection method: clinical testing. Allele origin: germline.
Comment: Variant summary: FCGR2A c.848C>T (p.Ala283Val) results in a non-conservative amino acid change in the encoded protein sequence. Four of five in-silico tools predict a benign effect of the variant on protein function. The variant was absent in 251130 control chromosomes. The available data on variant occurrences in the general population are insufficient to allow any conclusion about variant significance. To our knowledge, no occurrence of c.848C>T in individuals affected with FCGR2A-Related Disorders and no experimental evidence demonstrating its impact on protein function have been reported. No submitters have cited clinical-significance assessments for this variant to ClinVar. Based on the evidence outlined above, the variant was classified as uncertain significance.

NM_001136219.3(FCGR2A):c.851C>T (p.Ala284Val)

Gene: FCGR2A (Fc gamma receptor IIa; plus strand). Cytogenetic location: 1q23.3.
Variant type: single nucleotide variant.
Coding change: c.851C>T on transcript NM_001136219.3 (MANE Select); coding-DNA position 851, C replaced by T.
Protein change: p.Ala284Val; replaces alanine 284 with valine.
Molecular consequence: missense variant.
Genome position (GRCh38, 1-based): chr1:161,518,045, C>T. VCF-style: chr1-161518045-C-T. GRCh37 (hg19) VCF-style: chr1-161487835-C-T.
Other names: c.728C>T, p.Ala243Val (NM_001375296.1); c.725C>T, p.Ala242Val (NM_001375297.1); c.848C>T, p.Ala283Val (NM_021642.5); short protein forms A242V, A243V, A283V, A284V.
Identifiers: ClinVar variation 3769017 (VCV003769017.1).
Genomic context (GRCh38, chr1:161,518,045, plus strand): 5'-GTCAAATGATTGCCATCAGAAAGAGACAACTTGAAGAAACCAACAATGACTATGAAACAG[C>T]TGACGGCGGCTACATGACTCTGAACCCCAGGGCACCTACTGACGATGATAAAAACATCTA-3'
Protein context (NP_001129691.1, residues 274-294): LEETNNDYET[Ala284Val]DGGYMTLNPR